The following is an entry in ClinVar:

NM_001267550.2(TTN):c.79806TGT[1] (p.Val26604del)

Genes: TTN (titin; minus strand), TTN-AS1 (TTN antisense RNA 1; plus strand). Cytogenetic location: 2q31.2.
Variant type: Microsatellite.
Coding change: c.79806TGT[1] on transcript NM_001267550.2 (MANE Select); one copy of the 3-base unit TGT starting at c.79806; the reference has two copies in a row; one copy, 3 bases deleted; also written c.79809_79811del.
Protein change: p.Val26604del; deletes valine 26604.
Molecular consequence: inframe deletion.
Genome position (GRCh38, 1-based): chr2:178,566,321-178,566,323, ACA deleted on the plus strand (TGT on the coding strand, the reverse complement: TTN is on the minus strand); deleting any 3 consecutive bases within chr2:178,566,321-178,566,327 gives the same sequence; the position shown is the placement nearest the transcript's 3' end. VCF-style (leftmost placement, unchanged base first): chr2-178566320-TACA-T. GRCh37 (hg19) VCF-style: chr2-179431047-TACA-T.
Other names: c.79809_79811delTGT (NM_001267550.2); c.79809_79811del (NM_001267550.2); c.72105_72107del (NM_133378.4); c.74883TGT[1], p.Val24963del (NM_001256850.1); c.52611TGT[1], p.Val17539del (NM_003319.4); c.72102TGT[1], p.Val24036del (NM_133378.4); c.52986TGT[1], p.Val17664del (NM_133432.3); c.53187TGT[1], p.Val17731del (NM_133437.4); short protein forms V17539del, V17664del, V17731del, V24036del, V24963del, V26604del.
Identifiers: ClinVar variation 2438329 (VCV002438329.6), dbSNP rs776591304, ClinGen allele CA1989430.

ClinVar aggregate classification (germline): Uncertain significance. Review status: criteria provided, multiple submitters, no conflicts (2 of 4 stars). 4 submissions from 4 submitters: Uncertain significance (4). Last evaluated 2026-06-25.

Conditions:
TTN-related disorder. Also called: TTN-related condition; TTN-related disease; TTN-related disorders.
Cardiovascular phenotype. Identifiers: MedGen CN230736.
TTN-related myopathy. Identifiers: MedGen CN294812, MONDO:0100175.

Submissions (4):

PreventionGenetics, part of Exact Sciences
Classification: Uncertain significance for TTN-related condition. Last evaluated: 2026-06-25. Review status: criteria provided, single submitter. Criteria: ACMG Guidelines, 2015. Collection method: clinical testing. Allele origin: germline.
Comment: The TTN c.79809_79811delTGT variant is predicted to result in an in-frame deletion (p.Val26604del). This variant has been reported in a dilated cardiomyopathy cohort (Table S4, Dalin et al. 2017. PubMed ID: 27886618). This variant is reported in 0.0056% of alleles in individuals of East Asian descent in gnomAD. At this time, the clinical significance of this variant is uncertain due to the absence of conclusive functional and genetic evidence.

Molecular Diagnostic Laboratory for Inherited Cardiovascular Disease, Montreal Heart Institute
Classification: Uncertain significance for Cardiovascular phenotype. Last evaluated: 2025-04-09. Review status: criteria provided, single submitter. Criteria: ACMG Guidelines, 2015. Collection method: clinical testing. Allele origin: germline. Affected: yes.

Revvity Omics, Revvity
Classification: Uncertain significance. Last evaluated: 2024-06-28. Review status: criteria provided, single submitter. Criteria: ACMG Guidelines, 2015. Collection method: clinical testing. Allele origin: germline.

Department of Pathology and Laboratory Medicine, Sinai Health System
Classification: Uncertain significance for TTN-related myopathy. Last evaluated: 2020-06-29. Review status: criteria provided, single submitter. Criteria: ACMG Guidelines, 2015. Collection method: research. Allele origin: germline.